The following is an entry in ClinVar:

NC_000002.11:g.(?_215657011)_(215661851_?)dup

Gene: BARD1 (BRCA1 associated RING domain 1; minus strand). Cytogenetic location: 2q35.
Variant type: Duplication.
Identifiers: ClinVar variation 664443 (VCV000664443.3).

ClinVar aggregate classification (germline): Likely pathogenic (1 of 4 stars; one submission).

Conditions:
Familial cancer of breast. Also called: BREAST CANCER, FAMILIAL; hereditary breast carcinoma; Hereditary breast cancer. Identifiers: Orphanet 227535, MedGen C0346153, MONDO:0016419, OMIM 114480. Disease mechanism: loss of function.

Submission:

Labcorp Genetics (formerly Invitae), Labcorp
Classification: Likely pathogenic for Hereditary Breast Carcinoma. Last evaluated: 2019-12-16. Review status: criteria provided, single submitter. Criteria: Invitae Variant Classification Sherloc (09022015). Collection method: clinical testing. Allele origin: germline.
Comment: This variant is a gross duplication of the genomic region encompassing exons 2-3 of the BARD1 gene. While the exact position of the duplicated exons cannot be determined from this data, sub-genic duplications are generally in tandem (PMID: 25640679) and may result in an absent or disrupted protein product. This variant has not been reported in the literature in individuals with BARD1-related disease. Loss-of-function variants in BARD1 are known to be pathogenic (PMID: 20077502, 21344236). In summary, the currently available evidence indicates that the variant is pathogenic, but additional data are needed to prove that conclusively. Therefore, this variant has been classified as Likely Pathogenic.